The following is an entry in ClinVar:

NM_000540.3(RYR1):c.11295G>C (p.Gln3765His)

Gene: RYR1 (ryanodine receptor 1; plus strand). Cytogenetic location: 19q13.2.
Variant type: single nucleotide variant.
Coding change: c.11295G>C on transcript NM_000540.3 (MANE Select); coding-DNA position 11295, G replaced by C.
Protein change: p.Gln3765His; replaces glutamine 3765 with histidine.
Molecular consequence: missense variant.
Genome position (GRCh38, 1-based): chr19:38,534,755, G>C. VCF-style: chr19-38534755-G-C. GRCh37 (hg19) VCF-style: chr19-39025395-G-C.
Other names: c.11280G>C, p.Gln3760His (NM_001042723.2); short protein forms Q3760H, Q3765H.
Identifiers: ClinVar variation 3075454 (VCV003075454.2), dbSNP rs2514526951, ClinGen allele CA405654606.

ClinVar aggregate classification (germline): Uncertain significance. Review status: criteria provided, multiple submitters, no conflicts (2 of 4 stars). 2 submissions from 2 submitters: Uncertain significance (2). Last evaluated 2026-07-06.

Conditions:
Malignant hyperthermia, susceptibility to, 1 (MHS1). Also called: Anesthesia related hyperthermia; Malignant hyperpyrexia; Fulminating hyperpyrexia; Pharmacogenic myopathy; RYR1-Related Malignant Hyperthermia Susceptibility; Malignant hyperthermia suceptibility 1. Identifiers: Orphanet 423, MedGen C2930980, MONDO:0007783, OMIM 145600.
Inborn genetic diseases. Identifiers: MedGen C0950123, MeSH D030342.

Submissions (2):

Ambry Genetics
Classification: Uncertain significance for Inborn genetic diseases. Last evaluated: 2026-07-06. Review status: criteria provided, single submitter. Criteria: Ambry Variant Classification Scheme 2023. Collection method: clinical testing. Allele origin: germline.
Comment: The p.Q3765H variant (also known as c.11295G>C), located in coding exon 79 of the RYR1 gene, results from a G to C substitution at nucleotide position 11295. The glutamine at codon 3765 is replaced by histidine, an amino acid with highly similar properties. This amino acid position is conserved. In addition, the in silico prediction for this alteration is inconclusive. Based on the available evidence, the clinical significance of this variant remains unclear.

All of Us Research Program, National Institutes of Health
Classification: Uncertain significance for Malignant hyperthermia, susceptibility to, 1. Last evaluated: 2024-02-05. Review status: criteria provided, single submitter. Criteria: ACMG Guidelines, 2015. Collection method: clinical testing. Allele origin: germline. Inheritance: Autosomal dominant inheritance. Observed: 1 variant allele, 1 heterozygote.
Comment: This missense variant replaces glutamine with histidine at codon 3765 of the RYR1 protein. Computational prediction is inconclusive regarding the impact of this variant on protein structure and function (internally defined REVEL score threshold 0.5 < inconclusive < 0.7, PMID: 27666373). To our knowledge, functional studies have not been reported for this variant. This variant has not been reported in individuals affected with RYR1-related disorders in the literature. This variant has not been identified in the general population by the Genome Aggregation Database (gnomAD). The available evidence is insufficient to determine the role of this variant in disease conclusively. Therefore, this variant is classified as a Variant of Uncertain Significance.

This study involves interpretation of variants in research participants for the purpose of population health screening. Participant phenotype was not available at the time of variant classification. Additional details can be found in publication PMID: 35346344, PMCID: PMC8962531